The following is an entry in ClinVar:

ClinVar aggregate classification (germline): Uncertain significance (1 of 4 stars; one submission).

Conditions:
Werner syndrome (WRN). Identifiers: Orphanet 902, MedGen C0043119, MONDO:0010196, OMIM 277700.

Submission:

Labcorp Genetics (formerly Invitae), Labcorp
Classification: Uncertain significance for Werner syndrome. Last evaluated: 2023-08-16. Review status: criteria provided, single submitter. Criteria: Invitae Variant Classification Sherloc (09022015). Collection method: clinical testing. Allele origin: germline.
Comment: In summary, the available evidence is currently insufficient to determine the role of this variant in disease. Therefore, it has been classified as a Variant of Uncertain Significance. An algorithm developed to predict the effect of missense changes on protein structure and function (PolyPhen-2) suggests that this variant is likely to be tolerated. This variant has not been reported in the literature in individuals affected with WRN-related conditions. This variant is not present in population databases (gnomAD no frequency). This sequence change replaces aspartic acid, which is acidic and polar, with glycine, which is neutral and non-polar, at codon 682 of the WRN protein (p.Asp682Gly).

NM_000553.6(WRN):c.2045A>G (p.Asp682Gly)

Gene: WRN (WRN RecQ like helicase; plus strand). Cytogenetic location: 8p12.
Variant type: single nucleotide variant.
Coding change: c.2045A>G on transcript NM_000553.6 (MANE Select); coding-DNA position 2045, A replaced by G.
Protein change: p.Asp682Gly; replaces aspartic acid 682 with glycine.
Molecular consequence: missense variant.
Genome position (GRCh38, 1-based): chr8:31,100,912, A>G. VCF-style: chr8-31100912-A-G. GRCh37 (hg19) VCF-style: chr8-30958428-A-G.
Other names: short protein forms D682G.
Identifiers: ClinVar variation 2752685 (VCV002752685.3), dbSNP rs2535950944, ClinGen allele CA370908701.